The following is an entry in ClinVar:

ClinVar aggregate classification (germline): Uncertain significance. Review status: criteria provided, multiple submitters, no conflicts (2 of 4 stars). 3 submissions from 3 submitters: Uncertain significance (3). Last evaluated 2026-09-21.

Conditions:
Autosomal recessive ataxia, Beauce type. Also called: Spinocerebellar ataxia, autosomal recessive 8; SYNE1-Related Autosomal Recessive Cerebellar Ataxia; SYNE1 Deficiency; ATAXIA, RECESSIVE, OF BEAUCE. Identifiers: Orphanet 88644, MedGen C1853116, MONDO:0012549, OMIM 610743.
Emery-Dreifuss muscular dystrophy 4, autosomal dominant (EDMD4). Also called: EMERY-DREIFUSS MUSCULAR DYSTROPHY 4 WITH VARIABLE FEATURES. Identifiers: Orphanet 261, MedGen C2751807, MONDO:0013071, OMIM 612998.

Allele frequency attached by ClinVar (database versions not stated): TOPMed 0.00005; gnomAD 0.00006; ESP Exome Variant Server 0.00008.
gnomAD v4.1: 21 of 1,613,930 alleles (0.0013%); highest among the groups gnomAD compares: African/African-American, 0.027%; no homozygotes.

Submissions (3):

GeneDx
Classification: Uncertain significance. Last evaluated: 2026-09-21. Review status: criteria provided, single submitter. Criteria: GeneDx Variant Classification Process June 2021. Collection method: clinical testing. Allele origin: germline.
Comment: Reported as a single heterozygous variant in an individual with autism who also harbored variants in several other genes that may be related to the phenotype (PMID: 34368859); In silico analysis suggests that this missense variant does not alter protein structure/function; This variant is associated with the following publications: (PMID: 34368859)

Athena Diagnostics
Classification: Uncertain significance. Last evaluated: 2025-02-13. Review status: criteria provided, single submitter. Criteria: Athena Diagnostics Criteria. Collection method: clinical testing. Allele origin: unknown.
Comment: Available data are insufficient to determine the clinical significance of the variant at this time. The frequency of this variant in the general population is uninformative in assessment of its pathogenicity. Polyphen and MutationTaster predict this amino acid change may be benign.

Labcorp Genetics (formerly Invitae), Labcorp
Classification: Uncertain significance for Emery-Dreifuss muscular dystrophy 4, autosomal dominant; Autosomal recessive ataxia, Beauce type. Last evaluated: 2022-09-07. Review status: criteria provided, single submitter. Criteria: Invitae Variant Classification Sherloc (09022015). Collection method: clinical testing. Allele origin: germline.
Comment: This sequence change replaces alanine, which is neutral and non-polar, with glutamic acid, which is acidic and polar, at codon 3929 of the SYNE1 protein (p.Ala3929Glu). This variant is present in population databases (rs375752705, gnomAD 0.03%). This variant has not been reported in the literature in individuals affected with SYNE1-related conditions. ClinVar contains an entry for this variant (Variation ID: 649662). Algorithms developed to predict the effect of missense changes on protein structure and function output the following: SIFT: "Deleterious"; PolyPhen-2: "Benign"; Align-GVGD: "Class C65". The glutamic acid amino acid residue is found in multiple mammalian species, which suggests that this missense change does not adversely affect protein function. In summary, the available evidence is currently insufficient to determine the role of this variant in disease. Therefore, it has been classified as a Variant of Uncertain Significance.

Literature cited by the submitters: PubMed 34368859 (cited by Athena Diagnostics).

NM_182961.4(SYNE1):c.11999C>A (p.Ala4000Glu)

Gene: SYNE1 (spectrin repeat containing nuclear envelope protein 1; minus strand). Cytogenetic location: 6q25.2.
Variant type: single nucleotide variant.
Coding change: c.11999C>A on transcript NM_182961.4 (MANE Select); coding-DNA position 11999, C replaced by A.
Protein change: p.Ala4000Glu; replaces alanine 4000 with glutamic acid.
Molecular consequence: missense variant.
Genome position (GRCh38, 1-based): chr6:152,347,138, G>T on the plus strand (C>A on the coding strand, the complement: SYNE1 is on the minus strand). VCF-style: chr6-152347138-G-T. GRCh37 (hg19) VCF-style: chr6-152668273-G-T.
Other names: c.11786C>A, p.Ala3929Glu (NM_033071.5); short protein forms A4000E, A3929E.
Identifiers: ClinVar variation 649662 (VCV000649662.12), dbSNP rs375752705, ClinGen allele CA4056537.
Genomic context (GRCh38, chr6:152,347,138, plus strand): 5'-ATCGCTGAGTAGCTGTCCTTTGTGCCCTGCAGATGAGCATGCACGTTTTGTTTAAGTTTC[G>T]CTTGCAGGTGGTCTGCACATTGGCCAATCAAAGTATCACCTTTCATTTGAAGATTGTTCA-3'
Protein context (NP_892006.3, residues 3990-4010): LIGQCADHLQ[Ala4000Glu]KLKQNVHAHL